The following is an entry in ClinVar:

ClinVar aggregate classification (germline): Likely benign (1 of 4 stars; one submission).

Allele frequency attached by ClinVar (database versions not stated): 1000 Genomes Project 0.00140; 1000 Genomes Project 30x 0.00156; ExAC 0.00481.

Submission:

CeGaT Center for Human Genetics Tuebingen
Classification: Likely benign. Last evaluated: 2022-12-01. Review status: criteria provided, single submitter. Criteria: CeGaT Center For Human Genetics Tuebingen Variant Classification Criteria Version 2. Collection method: clinical testing. Allele origin: germline. Affected: yes. Observed: 1 variant allele.
Comment: SAPCD2: BP4, BP7

NM_178448.4(SAPCD2):c.543G>A (p.Ala181=)

Genes: SAPCD2 (suppressor APC domain containing 2; minus strand), LOC130003070 (ATAC-STARR-seq lymphoblastoid silent region 20571; plus strand). Cytogenetic location: 9q34.3.
Variant type: single nucleotide variant.
Coding change: c.543G>A on transcript NM_178448.4 (MANE Select); coding-DNA position 543, G replaced by A.
Protein change: p.Ala181=; no amino-acid change (alanine 181 retained).
Molecular consequence: synonymous variant.
Genome position (GRCh38, 1-based): chr9:137,069,918, C>T on the plus strand (G>A on the coding strand, the complement: SAPCD2 is on the minus strand). VCF-style: chr9-137069918-C-T. GRCh37 (hg19) VCF-style: chr9-139964370-C-T.
Identifiers: ClinVar variation 2659798 (VCV002659798.24), dbSNP rs372444199, ClinGen allele CA5357872.